The following is an entry in ClinVar:

ClinVar aggregate classification (germline): Uncertain significance (1 of 4 stars; one submission).

gnomAD v4.1: 1 of 1,613,850 alleles (0.000062%); highest among the groups gnomAD compares: African/African-American, 0.0013%; no homozygotes.

Submission:

Ambry Genetics
Classification: Uncertain significance. Last evaluated: 2024-12-12. Review status: criteria provided, single submitter. Criteria: Ambry Variant Classification Scheme 2023. Collection method: clinical testing. Allele origin: germline.
Comment: The p.K355T variant (also known as c.1064A>C), located in coding exon 3 of the WNK2 gene, results from an A to C substitution at nucleotide position 1064. The lysine at codon 355 is replaced by threonine, an amino acid with similar properties. This amino acid position is conserved. In addition, the in silico prediction for this alteration is inconclusive. Based on the available evidence, the clinical significance of this variant remains unclear.

NM_006648.4(WNK2):c.1064A>C (p.Lys355Thr)

Gene: WNK2 (WNK lysine deficient protein kinase 2; plus strand). Cytogenetic location: 9q22.31.
Variant type: single nucleotide variant.
Coding change: c.1064A>C on transcript NM_006648.4 (MANE Select); coding-DNA position 1064, A replaced by C.
Protein change: p.Lys355Thr; replaces lysine 355 with threonine.
Molecular consequence: missense variant.
Genome position (GRCh38, 1-based): chr9:93,231,097, A>C. VCF-style: chr9-93231097-A-C. GRCh37 (hg19) VCF-style: chr9-95993379-A-C.
Other names: c.1064A>C, p.Lys355Thr (NM_001282394.3); short protein forms K355T.
Identifiers: ClinVar variation 3816432 (VCV003816432.1).
Genomic context (GRCh38, chr9:93,231,097, plus strand): 5'-CTGGGTCTGTGAAGATTGGCGACTTGGGCCTGGCCACTCTGAAAAGAGCGTCATTTGCCA[A>C]AAGTGTGATAGGTAAACCTGCTTCTCCTCCCCAGGCCCTTGGAGCCCATGAGAAGCTGGG-3'
Protein context (NP_006639.3, residues 345-365): LATLKRASFA[Lys355Thr]SVIGTPEFMA